The following is an entry in ClinVar:

ClinVar aggregate classification (germline): Uncertain significance (1 of 4 stars; one submission).

Conditions:
Cardiovascular phenotype. Identifiers: MedGen CN230736.

Submission:

Ambry Genetics
Classification: Uncertain significance for Cardiovascular phenotype. Last evaluated: 2023-07-10. Review status: criteria provided, single submitter. Criteria: Ambry Variant Classification Scheme 2023. Collection method: clinical testing. Allele origin: germline.
Comment: The p.G366C variant (also known as c.1096G>T), located in coding exon 2 of the RBM20 gene, results from a G to T substitution at nucleotide position 1096. The glycine at codon 366 is replaced by cysteine, an amino acid with highly dissimilar properties. This amino acid position is conserved. In addition, the in silico prediction for this alteration is inconclusive. Since supporting evidence is limited at this time, the clinical significance of this alteration remains unclear.

NM_001134363.3(RBM20):c.1096G>T (p.Gly366Cys)

Gene: RBM20 (RNA binding motif protein 20; plus strand). Cytogenetic location: 10q25.2.
Variant type: single nucleotide variant.
Coding change: c.1096G>T on transcript NM_001134363.3 (MANE Select); coding-DNA position 1096, G replaced by T.
Protein change: p.Gly366Cys; replaces glycine 366 with cysteine.
Molecular consequence: missense variant.
Genome position (GRCh38, 1-based): chr10:110,781,705, G>T. VCF-style: chr10-110781705-G-T. GRCh37 (hg19) VCF-style: chr10-112541463-G-T.
Other names: short protein forms G366C.
Identifiers: ClinVar variation 2626076 (VCV002626076.2), dbSNP rs2493413341, ClinGen allele CA378385600.
Genomic context (GRCh38, chr10:110,781,705, plus strand): 5'-CCCTATGAGCTGTACGACCCCGAGGAACCAACCTCAGACAGGACACCTCCTTCCTTCGGG[G>T]GTCGGCTTAACAACAGCAAACAGGGTTTTATCGGTGCTGGGCGGAGGGCCAAGGAGGACC-3'
Protein context (NP_001127835.2, residues 356-376): TSDRTPPSFG[Gly366Cys]RLNNSKQGFI